The following is an entry in ClinVar:

ClinVar aggregate classification (germline): Uncertain significance (1 of 4 stars; one submission).

Conditions:
Severe X-linked myotubular myopathy (CNMX). Also called: Myotubular myopathy, X-linked; X-linked centronuclear myopathy; MYOTUBULAR MYOPATHY 1. Identifiers: Orphanet 596, MedGen C0410203, MONDO:0010683, OMIM 310400.

Submission:

3billion
Classification: Uncertain significance for Severe X-linked myotubular myopathy. Last evaluated: 2024-06-28. Review status: criteria provided, single submitter. Criteria: ACMG Guidelines, 2015. Collection method: clinical testing. Allele origin: germline. Affected: yes.
Comment: The variant is not observed in the gnomAD v4.0.0 dataset. Predicted Consequence/Location: Intron variant In silico tools predict the variant to alter splicing and produce an abnormal transcript [SpliceAI: 0.91 (>=0.2, moderate evidence for spliceogenicity)]. Therefore, this variant is classified as VUS according to the recommendation of ACMG/AMP guideline.

NM_000252.3(MTM1):c.231+3A>C

Gene: MTM1 (myotubularin 1; plus strand). Cytogenetic location: Xq28.
Variant type: single nucleotide variant.
Coding change: c.231+3A>C on transcript NM_000252.3 (MANE Select); 3 bases into the intron after coding-DNA position 231, A replaced by C.
Molecular consequence: intron variant.
Genome position (GRCh38, 1-based): chrX:150,598,689, A>C. VCF-style: chrX-150598689-A-C. GRCh37 (hg19) VCF-style: chrX-149767153-A-C.
Other names: c.231+3A>C (NM_001376908.1, NM_001376906.1, NM_001376907.1).
Identifiers: ClinVar variation 4293155 (VCV004293155.1).